The following is an entry in ClinVar:

ClinVar aggregate classification (germline): Pathogenic (1 of 4 stars; one submission).

Conditions:
Reticular dysgenesis. Also called: ALEUKOCYTOSIS; CONGENITAL ALEUKIA; HEMATOPOIETIC HYPOPLASIA, GENERALIZED; RETICULAR DYSGENESIA; SEVERE COMBINED IMMUNODEFICIENCY WITH LEUKOPENIA; DeVaal disease. Identifiers: Orphanet 33355, MedGen C0272167, MONDO:0009973, OMIM 267500.

Allele frequency attached by ClinVar (database versions not stated): TOPMed below 0.00001; gnomAD exomes 0.00001.
gnomAD v4.1: 14 of 1,613,778 alleles (0.00087%); highest among the groups gnomAD compares: Non-Finnish European, 0.0012%; no homozygotes.

Submission:

Labcorp Genetics (formerly Invitae), Labcorp
Classification: Pathogenic for Reticular dysgenesis. Last evaluated: 2022-11-03. Review status: criteria provided, single submitter. Criteria: Invitae Variant Classification Sherloc (09022015). Collection method: clinical testing. Allele origin: germline.
Comment: ClinVar contains an entry for this variant (Variation ID: 1436300). For these reasons, this variant has been classified as Pathogenic. This premature translational stop signal has been observed in individual(s) with severe combined immunodeficiency (PMID: 26997321). This variant is not present in population databases (gnomAD no frequency). This sequence change creates a premature translational stop signal (p.Arg137*) in the AK2 gene. It is expected to result in an absent or disrupted protein product. Loss-of-function variants in AK2 are known to be pathogenic (PMID: 19043416, 19043417, 19414857).

Literature cited by the submitters: PubMed 26997321; PubMed 19043416; PubMed 19043417; PubMed 19414857.

NM_001625.4(AK2):c.409C>T (p.Arg137Ter)

Gene: AK2 (adenylate kinase 2; minus strand). Cytogenetic location: 1p35.1.
Variant type: single nucleotide variant.
Coding change: c.409C>T on transcript NM_001625.4 (MANE Select); coding-DNA position 409, C replaced by T.
Protein change: p.Arg137Ter; replaces arginine 137 with a stop codon.
Molecular consequence: nonsense. On other transcripts: intron variant (2).
Genome position (GRCh38, 1-based): chr1:33,021,383, G>A on the plus strand (C>T on the coding strand, the complement: AK2 is on the minus strand). VCF-style: chr1-33021383-G-A. GRCh37 (hg19) VCF-style: chr1-33486984-G-A.
Other names: c.265C>T, p.Arg89Ter (NM_001319139.3, NM_001319140.2); c.409C>T, p.Arg137Ter (NM_001319141.3, NM_013411.5); c.283C>T, p.Arg95Ter (NM_001319142.3); c.330+210C>T (NM_001319143.2); c.401+8C>T (NM_001199199.3); short protein forms R89*, R95*, R137*.
Identifiers: ClinVar variation 1436300 (VCV001436300.8), dbSNP rs1476680673, ClinGen allele CA339701971.